The following is an entry in ClinVar:

ClinVar aggregate classification (germline): Uncertain significance (0 of 4 stars; one submission).

Conditions:
CEP164-related disorder. Also called: CEP164-related condition.

gnomAD v4.1: 1 of 1,614,212 alleles (0.000062%); highest among the groups gnomAD compares: Non-Finnish European, 0.000085%; no homozygotes.

Submission:

PreventionGenetics, part of Exact Sciences
Classification: Uncertain significance for CEP164-related condition. Last evaluated: 2024-09-14. Review status: no assertion criteria provided. Collection method: clinical testing. Allele origin: germline.
Comment: The CEP164 c.997G>T variant is predicted to result in the amino acid substitution p.Asp333Tyr. To our knowledge, this variant has not been reported in the literature or in gnomAD, indicating this variant is rare. At this time, the clinical significance of this variant is uncertain due to the absence of conclusive functional and genetic evidence.

NM_014956.5(CEP164):c.997G>T (p.Asp333Tyr)

Gene: CEP164 (centrosomal protein 164; plus strand). Cytogenetic location: 11q23.3.
Variant type: single nucleotide variant.
Coding change: c.997G>T on transcript NM_014956.5 (MANE Select); coding-DNA position 997, G replaced by T.
Protein change: p.Asp333Tyr; replaces aspartic acid 333 with tyrosine.
Molecular consequence: missense variant.
Genome position (GRCh38, 1-based): chr11:117,371,311, G>T. VCF-style: chr11-117371311-G-T. GRCh37 (hg19) VCF-style: chr11-117242027-G-T.
Other names: c.997G>T, p.Asp333Tyr (NM_001271933.2); short protein forms D333Y.
Identifiers: ClinVar variation 3355058 (VCV003355058.1).